The following is an entry in ClinVar:

ClinVar aggregate classification (germline): Uncertain significance (1 of 4 stars; one submission).

gnomAD v4.1: 3 of 1,613,940 alleles (0.00019%); highest among the groups gnomAD compares: Non-Finnish European, 0.000085%; no homozygotes.

Submission:

Dasa
Classification: Uncertain significance. Last evaluated: 2026-04-10. Review status: criteria provided, single submitter. Criteria: DASA Assertion Criteria. Collection method: clinical testing. Allele origin: germline.
Comment: NM_001045.6(SLC6A4):c.392C>T (p.Pro131Leu) is a missense variant that results in the substitution of proline with leucine. This variant is rare in population databases. Computational prediction algorithms are consistent with a deleterious effect. The currently available literature and clinical evidence are not sufficient to establish a definitive association between this variant and the reported condition. Therefore, this variant is classified as a variant of uncertain significance.

NM_001045.6(SLC6A4):c.392C>T (p.Pro131Leu)

Gene: SLC6A4 (solute carrier family 6 member 4; minus strand). Cytogenetic location: 17q11.2.
Variant type: single nucleotide variant.
Coding change: c.392C>T on transcript NM_001045.6 (MANE Select); coding-DNA position 392, C replaced by T.
Protein change: p.Pro131Leu; replaces proline 131 with leucine.
Molecular consequence: missense variant.
Genome position (GRCh38, 1-based): chr17:30,218,883, G>A on the plus strand (C>T on the coding strand, the complement: SLC6A4 is on the minus strand). VCF-style: chr17-30218883-G-A. GRCh37 (hg19) VCF-style: chr17-28545901-G-A.
Other names: short protein forms P131L.
Identifiers: ClinVar variation 4885971 (VCV004885971.2).
Genomic context (GRCh38, chr17:30,218,883, plus strand): 5'-CATATTGAAATGCATCCATTTCGGTGGTACTGTCCCAGTGCGAGCTCCATGTAAAAGAGC[G>A]GGATTCCCCCAAAAATGGCCATGATGGTGTAGGGGAGGAGGAATGCCCCTGAGGCAGATG-3'
Protein context (NP_001036.1, residues 121-141): YTIMAIFGGI[Pro131Leu]LFYMELALGQ